The following is an entry in ClinVar:

NM_001370259.2(MEN1):c.638_639delinsAA (p.Ala213Glu)

Gene: MEN1 (menin 1; minus strand). Cytogenetic location: 11q13.1.
Variant type: Indel.
Coding change: c.638_639delinsAA on transcript NM_001370259.2 (MANE Select); coding-DNA positions 638 to 639, CC replaced by AA.
Protein change: p.Ala213Glu; replaces alanine 213 with glutamic acid.
Molecular consequence: missense variant. On other transcripts: intron variant (2).
Genome position (GRCh38, 1-based): chr11:64,807,906-64,807,907, GG replaced by TT on the plus strand (CC replaced by AA on the coding strand, the reverse complement: MEN1 is on the minus strand). VCF-style: chr11-64807906-GG-TT. GRCh37 (hg19) VCF-style: chr11-64575378-GG-TT.
Other names: c.638_639delinsAA (NM_130799.2); c.638_639delCCinsAA (NM_130799.2); c.653_654delinsAA, p.Ala218Glu (NM_000244.4, NM_130800.3, NM_130801.3 and 3 more transcripts); c.638_639delinsAA, p.Ala213Glu (NM_001370251.2, NM_001370260.2, NM_001370261.2 and 1 more transcripts); c.549+89_549+90delinsAA (NM_001370263.2, NM_001370262.2); short protein forms A213E, A218E.
Identifiers: ClinVar variation 428060 (VCV000428060.14), dbSNP rs1114167518, ClinGen allele CA645369568.

ClinVar aggregate classification (germline): Conflicting classifications of pathogenicity. Review status: criteria provided, conflicting classifications (1 of 4 stars). 4 submissions from 4 submitters: Likely pathogenic (1); Uncertain significance (3). Last evaluated 2025-06-09.

Conditions:
Hereditary cancer-predisposing syndrome. Also called: Hereditary neoplastic syndrome; Tumor predisposition; Neoplastic Syndromes, Hereditary; Hereditary Cancer Syndrome. Identifiers: Orphanet 140162, MedGen C0027672, MeSH D009386, MONDO:0015356.
Multiple endocrine neoplasia, type 1 (MEN1). Also called: MEN I; Endocrine adenomatosis multiple; MEN 1; WERMER SYNDROME; MEA I. Identifiers: Orphanet 652, MedGen C0025267, MeSH D018761, MONDO:0007540, OMIM 131100.

Submissions (4):

Quest Diagnostics Nichols Institute San Juan Capistrano
Classification: Uncertain significance. Last evaluated: 2025-06-09. Review status: criteria provided, single submitter. Criteria: Quest Diagnostics criteria. Collection method: clinical testing. Allele origin: unknown.

Labcorp Genetics (formerly Invitae), Labcorp
Classification: Uncertain significance for Multiple endocrine neoplasia, type 1. Last evaluated: 2025-06-05. Review status: criteria provided, single submitter. Criteria: Invitae Variant Classification Sherloc (09022015). Collection method: clinical testing. Allele origin: germline.
Comment: This sequence change replaces alanine, which is neutral and non-polar, with glutamic acid, which is acidic and polar, at codon 213 of the MEN1 protein (p.Ala213Glu). Information on the frequency of this variant in the gnomAD database is not available, as this variant may be reported differently in the database. This variant has not been reported in the literature in individuals affected with MEN1-related conditions. Invitae Evidence Modeling of clinical and family history, age, sex, and reported ancestry of multiple individuals with this MEN1 variant has been performed. This variant is expected to be pathogenic with a positive predictive value of at least 99%. This is a validated machine learning model that incorporates the clinical features of 1,366,787 individuals referred to our laboratory for MEN1 testing. ClinVar contains an entry for this variant (Variation ID: 428060). An algorithm developed to predict the effect of missense changes on protein structure and function outputs the following: PolyPhen-2: "Benign". The glutamic acid amino acid residue is found in multiple mammalian species, which suggests that this missense change does not adversely affect protein function. In summary, the available evidence is currently insufficient to determine the role of this variant in disease. Therefore, it has been classified as a Variant of Uncertain Significance.

Ambry Genetics
Classification: Likely pathogenic for Hereditary cancer-predisposing syndrome. Last evaluated: 2025-03-20. Review status: criteria provided, single submitter. Criteria: Ambry Variant Classification Scheme 2023. Collection method: clinical testing. Allele origin: germline.
Comment: The c.638_639delCCinsAA variant (also known as p.A213E), located in coding exon 2 of the MEN1 gene, results from an in-frame deletion of CC and insertion of AA at nucleotide positions 638 to 639. This results in the substitution of the alanine residue for a glutamic acid residue at codon 213, an amino acid with dissimilar properties. This variant is considered to be rare based on population cohorts in the Genome Aggregation Database (gnomAD). This alteration has been observed in at least one individual with a personal and/or family history that is consistent with MEN1-related disease (Ambry internal data). In silico splice site analysis predicts that this alteration will result in the creation or strengthening of a novel splice donor site. RNA studies have demonstrated that this alteration results in abnormal splicing in the set of samples tested (Ambry internal data). Based on the majority of available evidence to date, this variant is likely to be pathogenic.

Women's Health and Genetics/Laboratory Corporation of America, LabCorp
Classification: Uncertain significance. Last evaluated: 2023-05-23. Review status: criteria provided, single submitter. Criteria: LabCorp Variant Classification Summary - May 2015. Collection method: clinical testing. Allele origin: germline.
Comment: Variant summary: MEN1 c.638_639delinsAA (p.Ala213Glu) results in a non-conservative amino acid change in the encoded protein sequence. Two of three in-silico tools predict a damaging effect of the variant on protein function. The variant was absent in 282400 control chromosomes. The available data on variant occurrences in the general population are insufficient to allow any conclusion about variant significance. To our knowledge, no occurrence of c.638_639delinsAA in individuals affected with Multiple Endocrine Neoplasia Type 1 and no experimental evidence demonstrating its impact on protein function have been reported. Two clinical diagnostic laboratories have submitted clinical-significance assessments for this variant to ClinVar after 2014 without evidence for independent evaluation. All laboratories classified the variant as uncertain significance. Based on the evidence outlined above, the variant was classified as uncertain significance.